The following is an entry in ClinVar:

NM_020461.4(TUBGCP6):c.1430G>A (p.Cys477Tyr)

Gene: TUBGCP6 (tubulin gamma complex component 6; minus strand). Cytogenetic location: 22q13.33.
Variant type: single nucleotide variant.
Coding change: c.1430G>A on transcript NM_020461.4 (MANE Select); coding-DNA position 1430, G replaced by A.
Protein change: p.Cys477Tyr; replaces cysteine 477 with tyrosine.
Molecular consequence: missense variant.
Genome position (GRCh38, 1-based): chr22:50,227,060, C>T on the plus strand (G>A on the coding strand, the complement: TUBGCP6 is on the minus strand). VCF-style: chr22-50227060-C-T. GRCh37 (hg19) VCF-style: chr22-50665489-C-T.
Other names: c.1430G>A (NM_020461.3); short protein forms C477Y.
Identifiers: ClinVar variation 1059276 (VCV001059276.11), dbSNP rs754602743, ClinGen allele CA10308684.

ClinVar aggregate classification (germline): Uncertain significance. Review status: criteria provided, multiple submitters, no conflicts (2 of 4 stars). 2 submissions from 2 submitters: Uncertain significance (2). Last evaluated 2024-02-21.

Conditions:
Inborn genetic diseases. Identifiers: MedGen C0950123, MeSH D030342.

Allele frequency attached by ClinVar (database versions not stated): gnomAD exomes 0.00001; ExAC 0.00002.
gnomAD v4.1: 2 of 1,611,810 alleles (0.00012%); highest among the groups gnomAD compares: East Asian, 0.0045%; no homozygotes.

Submissions (2):

Ambry Genetics
Classification: Uncertain significance for Inborn genetic diseases. Last evaluated: 2024-02-21. Review status: criteria provided, single submitter. Criteria: Ambry Variant Classification Scheme 2023. Collection method: clinical testing. Allele origin: germline.

Labcorp Genetics (formerly Invitae), Labcorp
Classification: Uncertain significance. Last evaluated: 2022-09-26. Review status: criteria provided, single submitter. Criteria: Invitae Variant Classification Sherloc (09022015). Collection method: clinical testing. Allele origin: germline.
Comment: This sequence change replaces cysteine, which is neutral and slightly polar, with tyrosine, which is neutral and polar, at codon 477 of the TUBGCP6 protein (p.Cys477Tyr). This variant is present in population databases (rs754602743, gnomAD 0.02%). This variant has not been reported in the literature in individuals affected with TUBGCP6-related conditions. ClinVar contains an entry for this variant (Variation ID: 1059276). Algorithms developed to predict the effect of missense changes on protein structure and function are either unavailable or do not agree on the potential impact of this missense change (SIFT: "Deleterious"; PolyPhen-2: "Probably Damaging"; Align-GVGD: "Class C0"). In summary, the available evidence is currently insufficient to determine the role of this variant in disease. Therefore, it has been classified as a Variant of Uncertain Significance.